The following is an entry in ClinVar:

ClinVar aggregate classification (germline): Uncertain significance (1 of 4 stars; one submission).

Submission:

Labcorp Genetics (formerly Invitae), Labcorp
Classification: Uncertain significance. Last evaluated: 2020-11-20. Review status: criteria provided, single submitter. Criteria: Invitae Variant Classification Sherloc (09022015). Collection method: clinical testing. Allele origin: germline.
Comment: In summary, the available evidence is currently insufficient to determine the role of this variant in disease. Therefore, it has been classified as a Variant of Uncertain Significance. Algorithms developed to predict the effect of missense changes on protein structure and function are either unavailable or do not agree on the potential impact of this missense change (SIFT: "Deleterious"; PolyPhen-2: "Benign"; Align-GVGD: "Class C65"). This variant has not been reported in the literature in individuals with C1S-related conditions. This variant is not present in population databases (ExAC no frequency). This sequence change replaces arginine with glycine at codon 220 of the C1S protein (p.Arg220Gly). The arginine residue is highly conserved and there is a moderate physicochemical difference between arginine and glycine.

NM_001734.5(C1S):c.658A>G (p.Arg220Gly)

Gene: C1S (complement C1s; plus strand). Cytogenetic location: 12p13.31.
Variant type: single nucleotide variant.
Coding change: c.658A>G on transcript NM_001734.5 (MANE Select); coding-DNA position 658, A replaced by G.
Protein change: p.Arg220Gly; replaces arginine 220 with glycine.
Molecular consequence: missense variant.
Genome position (GRCh38, 1-based): chr12:7,065,240, A>G. VCF-style: chr12-7065240-A-G. GRCh37 (hg19) VCF-style: chr12-7172544-A-G.
Other names: c.157A>G, p.Arg53Gly (NM_001346850.2); c.658A>G, p.Arg220Gly (NM_201442.4); short protein forms R220G, R53G.
Identifiers: ClinVar variation 1420901 (VCV001420901.8), dbSNP rs2135724227, ClinGen allele CA383694612.